The following is an entry in ClinVar:

ClinVar aggregate classification (germline): Uncertain significance (1 of 4 stars; one submission).

Conditions:
Leber congenital amaurosis 2 (LCA2). Also called: Autosomal Recessive RPE65-Related Retinal Degeneration; AMAUROSIS CONGENITA OF LEBER II. Identifiers: Orphanet 65, MedGen C1859844, MONDO:0008765, OMIM 204100. Disease mechanism: loss of function.
Retinitis pigmentosa 20 (RP20). Identifiers: Orphanet 791, MedGen C3151086, MONDO:0013425, OMIM 613794.

Submission:

Labcorp Genetics (formerly Invitae), Labcorp
Classification: Uncertain significance for Leber congenital amaurosis 2; Retinitis pigmentosa 20. Last evaluated: 2021-12-13. Review status: criteria provided, single submitter. Criteria: Invitae Variant Classification Sherloc (09022015). Collection method: clinical testing. Allele origin: germline.
Comment: This sequence change replaces aspartic acid, which is acidic and polar, with histidine, which is basic and polar, at codon 477 of the RPE65 protein (p.Asp477His). This variant is not present in population databases (gnomAD no frequency). This variant has not been reported in the literature in individuals affected with RPE65-related conditions. Algorithms developed to predict the effect of missense changes on protein structure and function are either unavailable or do not agree on the potential impact of this missense change (SIFT: "Deleterious"; PolyPhen-2: "Benign"; Align-GVGD: "Class C0"). This variant disrupts the p.Asp477 amino acid residue in RPE65. Other variant(s) that disrupt this residue have been determined to be pathogenic (PMID: 21654732, 28041994, 29659842, 29947567). This suggests that this residue is clinically significant, and that variants that disrupt this residue are likely to be disease-causing. In summary, the available evidence is currently insufficient to determine the role of this variant in disease. Therefore, it has been classified as a Variant of Uncertain Significance.

Literature cited by the submitters: PubMed 21654732; PubMed 28041994; PubMed 29659842; PubMed 29947567.

NM_000329.3(RPE65):c.1429G>C (p.Asp477His)

Gene: RPE65 (retinoid isomerohydrolase RPE65; minus strand). Cytogenetic location: 1p31.3.
Variant type: single nucleotide variant.
Coding change: c.1429G>C on transcript NM_000329.3 (MANE Select); coding-DNA position 1429, G replaced by C.
Protein change: p.Asp477His; replaces aspartic acid 477 with histidine.
Molecular consequence: missense variant.
Genome position (GRCh38, 1-based): chr1:68,431,086, C>G on the plus strand (G>C on the coding strand, the complement: RPE65 is on the minus strand). VCF-style: chr1-68431086-C-G. GRCh37 (hg19) VCF-style: chr1-68896769-C-G.
Other names: short protein forms D477H.
Identifiers: ClinVar variation 1505767 (VCV001505767.3), dbSNP rs2100806843, ClinGen allele CA340741789.